The following is an entry in ClinVar:

NM_002693.3(POLG):c.3173T>C (p.Phe1058Ser)

Gene: POLG (DNA polymerase gamma, catalytic subunit; minus strand). Cytogenetic location: 15q26.1.
Variant type: single nucleotide variant.
Coding change: c.3173T>C on transcript NM_002693.3 (MANE Select); coding-DNA position 3173, T replaced by C.
Protein change: p.Phe1058Ser; replaces phenylalanine 1058 with serine.
Molecular consequence: missense variant.
Genome position (GRCh38, 1-based): chr15:89,319,031, A>G on the plus strand (T>C on the coding strand, the complement: POLG is on the minus strand). VCF-style: chr15-89319031-A-G. GRCh37 (hg19) VCF-style: chr15-89862262-A-G.
Other names: c.3173T>C, p.Phe1058Ser (NM_001126131.2); short protein forms F1058S.
Identifiers: ClinVar variation 206613 (VCV000206613.3), dbSNP rs1555452561, ClinGen allele CA316865.

ClinVar aggregate classification (germline): Uncertain significance (1 of 4 stars; one submission).

Conditions:
Progressive sclerosing poliodystrophy (MTDPS4A). Also called: ALPERS DIFFUSE DEGENERATION OF CEREBRAL GRAY MATTER WITH HEPATIC CIRRHOSIS; Alpers-Huttenlocher Syndrome; ALPERS PROGRESSIVE INFANTILE POLIODYSTROPHY; NEURONAL DEGENERATION OF CHILDHOOD WITH LIVER DISEASE, PROGRESSIVE; Mitochondrial DNA Depletion Syndrome 4A; Alpers-Huttenlocher Syndrome (AHS). Identifiers: Orphanet 726, MedGen C0205710, MONDO:0008758, OMIM 203700.

Allele frequency attached by ClinVar (database versions not stated): gnomAD exomes below 0.00001.

Submission:

Labcorp Genetics (formerly Invitae), Labcorp
Classification: Uncertain significance for Progressive sclerosing poliodystrophy. Last evaluated: 2024-06-19. Review status: criteria provided, single submitter. Criteria: Invitae Variant Classification Sherloc (09022015). Collection method: clinical testing. Allele origin: germline.
Comment: This sequence change replaces phenylalanine, which is neutral and non-polar, with serine, which is neutral and polar, at codon 1058 of the POLG protein (p.Phe1058Ser). This variant is not present in population databases (gnomAD no frequency). This variant has not been reported in the literature in individuals affected with POLG-related conditions. ClinVar contains an entry for this variant (Variation ID: 206613). Advanced modeling of protein sequence and biophysical properties (such as structural, functional, and spatial information, amino acid conservation, physicochemical variation, residue mobility, and thermodynamic stability) performed at Invitae indicates that this missense variant is expected to disrupt POLG protein function with a positive predictive value of 95%. In summary, the available evidence is currently insufficient to determine the role of this variant in disease. Therefore, it has been classified as a Variant of Uncertain Significance.